The following is an entry in ClinVar:

ClinVar aggregate classification (germline): Likely pathogenic (1 of 4 stars; one submission).

gnomAD v4.1: 17 of 1,613,978 alleles (0.0011%); highest among the groups gnomAD compares: Non-Finnish European, 0.0013%; no homozygotes.

Submission:

Dasa
Classification: Likely pathogenic. Last evaluated: 2026-01-28. Review status: criteria provided, single submitter. Criteria: DASA Assertion Criteria. Collection method: clinical testing. Allele origin: germline.
Comment: NM_001350162.2(TEX15):c.9283C>T (p.Gln3095*) is a nonsense variant in TEX15 predicted to introduce a premature termination codon and is predicted to result in an absent or altered protein product. Loss of function is an established disease mechanism for TEX15-associated disorders. Also, this variant is rare in population databases. Based on the currently available evidence, this variant is classified as likely pathogenic.

NM_001350162.2(TEX15):c.9283C>T (p.Gln3095Ter)

Gene: TEX15 (testis expressed 15, meiosis and synapsis associated; minus strand). Cytogenetic location: 8p12.
Variant type: single nucleotide variant.
Coding change: c.9283C>T on transcript NM_001350162.2 (MANE Select); coding-DNA position 9283, C replaced by T.
Protein change: p.Gln3095Ter; replaces glutamine 3095 with a stop codon.
Molecular consequence: nonsense.
Genome position (GRCh38, 1-based): chr8:30,837,001, G>A on the plus strand (C>T on the coding strand, the complement: TEX15 is on the minus strand). VCF-style: chr8-30837001-G-A. GRCh37 (hg19) VCF-style: chr8-30694517-G-A.
Other names: short protein forms Q3095*.
Identifiers: ClinVar variation 4881350 (VCV004881350.2).